The following is an entry in ClinVar:

ClinVar aggregate classification (germline): Uncertain significance. Review status: criteria provided, multiple submitters, no conflicts (2 of 4 stars). 8 submissions from 8 submitters: Uncertain significance (6). 2 of the submissions do not count toward it. Last evaluated 2026-01-30.

Conditions:
Hereditary cancer-predisposing syndrome. Also called: Tumor predisposition; Hereditary Cancer Syndrome; Hereditary neoplastic syndrome; Neoplastic Syndromes, Hereditary. Identifiers: Orphanet 140162, MedGen C0027672, MeSH D009386, MONDO:0015356.
Hereditary breast ovarian cancer syndrome. Also called: Breast and ovarian cancer; Hereditary breast and ovarian cancer syndrome; Hereditary breast and ovarian cancer; BRCA1- and BRCA2-Associated Hereditary Breast and Ovarian Cancer; Hereditary breast and ovarian cancer syndrome (HBOC); Hereditary breast and/or ovarian cancer syndrome. Identifiers: Orphanet 145, MedGen C0677776, MeSH D061325, MONDO:0003582. Disease mechanism: loss of function.
Breast-ovarian cancer, familial, susceptibility to, 2 (BROVCA2). Also called: BRCA2 Hereditary Breast and Ovarian Cancer. Identifiers: Orphanet 145, MedGen C2675520, MONDO:0012933, OMIM 612555. Disease mechanism: loss of function.

Allele frequency attached by ClinVar (database versions not stated): gnomAD exomes below 0.00001.
gnomAD v4.1: 2 of 1,614,084 alleles (0.00012%); highest among the groups gnomAD compares: Non-Finnish European, 0.00017%; no homozygotes.

Submissions (8):

Labcorp Genetics (formerly Invitae), Labcorp
Classification: Uncertain significance for Hereditary breast ovarian cancer syndrome. Last evaluated: 2026-01-30. Review status: criteria provided, single submitter. Criteria: Invitae Variant Classification Sherloc (09022015). Collection method: clinical testing. Allele origin: germline.
Comment: This sequence change replaces alanine, which is neutral and non-polar, with threonine, which is neutral and polar, at codon 2764 of the BRCA2 protein (p.Ala2764Thr). This variant is not present in population databases (gnomAD no frequency). This missense change has been observed in individual(s) with breast cancer (PMID: 32383162). ClinVar contains an entry for this variant (Variation ID: 185461). Invitae Evidence Modeling of protein sequence and biophysical properties (such as structural, functional, and spatial information, amino acid conservation, physicochemical variation, residue mobility, and thermodynamic stability) indicates that this missense variant is not expected to disrupt BRCA2 protein function with a negative predictive value of 95%. In summary, the available evidence is currently insufficient to determine the role of this variant in disease. Therefore, it has been classified as a Variant of Uncertain Significance.

Ambry Genetics
Classification: Uncertain significance for Hereditary cancer-predisposing syndrome. Last evaluated: 2025-07-21. Review status: criteria provided, single submitter. Criteria: Ambry Variant Classification Scheme 2023. Collection method: clinical testing. Allele origin: germline.
Comment: The p.A2764T variant (also known as c.8290G>A), located in coding exon 17 of the BRCA2 gene, results from a G to A substitution at nucleotide position 8290. The alanine at codon 2764 is replaced by threonine, an amino acid with similar properties. This variant was identified in two of three siblings with personal histories of breast cancer who had no family history of breast cancer in first- or second-degree relatives (Hilbers FS et al. Int J Cancer, 2020 Nov;147:2708-2716). This amino acid position is well conserved in available vertebrate species. In addition, this alteration is predicted to be deleterious by in silico analysis. Based on the available evidence, the clinical significance of this variant remains unclear.

All of Us Research Program, National Institutes of Health
Classification: Uncertain significance for Breast-ovarian cancer, familial, susceptibility to, 2. Last evaluated: 2023-08-23. Review status: criteria provided, single submitter. Criteria: ACMG Guidelines, 2015. Collection method: clinical testing. Allele origin: germline. Inheritance: Autosomal dominant inheritance. Observed: 1 variant allele, 1 heterozygote.
Comment: This missense variant replaces alanine with threonine at codon 2764 of the BRCA2 protein. Computational prediction is inconclusive regarding the impact of this variant on protein structure and function (internally defined REVEL score threshold 0.5 < inconclusive < 0.7, PMID: 27666373). To our knowledge, functional studies have not been reported for this variant. This variant has been reported in one family in which two of three siblings affected with breast cancer carried this variant (PMID: 32383162). This variant has not been identified in the general population by the Genome Aggregation Database (gnomAD). The available evidence is insufficient to determine the role of this variant in disease conclusively. Therefore, this variant is classified as a Variant of Uncertain Significance.

This study involves interpretation of variants in research participants for the purpose of population health screening. Participant phenotype was not available at the time of variant classification. Additional details can be found in publication PMID: 35346344, PMCID: PMC8962531

Color Diagnostics, LLC DBA Color Health
Classification: Uncertain significance for Hereditary cancer-predisposing syndrome. Last evaluated: 2023-08-04. Review status: criteria provided, single submitter. Criteria: ACMG Guidelines, 2015. Collection method: clinical testing. Allele origin: germline.
Comment: This missense variant replaces alanine with threonine at codon 2764 of the BRCA2 protein. Computational prediction is inconclusive regarding the impact of this variant on protein structure and function (internally defined REVEL score threshold 0.5 < inconclusive < 0.7, PMID: 27666373). To our knowledge, functional studies have not been reported for this variant. This variant has been reported in one family in which two of three siblings affected with breast cancer carried this variant (PMID: 32383162). This variant has not been identified in the general population by the Genome Aggregation Database (gnomAD). The available evidence is insufficient to determine the role of this variant in disease conclusively. Therefore, this variant is classified as a Variant of Uncertain Significance.

GeneDx
Classification: Uncertain significance. Last evaluated: 2023-04-19. Review status: criteria provided, single submitter. Criteria: GeneDx Variant Classification Process June 2021. Collection method: clinical testing. Allele origin: germline. Affected: yes.
Comment: Not observed at significant frequency in large population cohorts (gnomAD); In silico analysis supports that this missense variant does not alter protein structure/function; Observed in a family with breast cancer (Hilbers et al., 2020); Also known as 8518G>A; This variant is associated with the following publications: (PMID: 29884841, 32377563, 31853058, 12228710, 32383162)

Women's Health and Genetics/Laboratory Corporation of America, LabCorp
Classification: Uncertain significance. Last evaluated: 2021-08-15. Review status: criteria provided, single submitter. Criteria: LabCorp Variant Classification Summary - May 2015. Collection method: clinical testing. Allele origin: germline.
Comment: Variant summary: BRCA2 c.8290G>A (p.Ala2764Thr) results in a non-conservative amino acid change in the encoded protein sequence. Five of five in-silico tools predict a damaging effect of the variant on protein function. The variant was absent in 248548 control chromosomes. The available data on variant occurrences in the general population are insufficient to allow any conclusion about variant significance. c.8290G>A has been reported in the literature in individuals from non-BRCA1/2 breast cancer families in which at least three siblings were affected, while no first-degree relatives of the previous or following generation had breast cancer (Hilbers_2020). This report does not provide unequivocal conclusions about association of the variant with Hereditary Breast And Ovarian Cancer Syndrome. To our knowledge, no experimental evidence demonstrating an impact on protein function has been reported. Three clinical diagnostic laboratories have submitted clinical-significance assessments for this variant to ClinVar after 2014 without evidence for independent evaluation. All laboratories classified the variant as uncertain significance. Based on the evidence outlined above, the variant was classified as uncertain significance.

Clinical Genetics DNA and cytogenetics Diagnostics Lab, Erasmus MC, Erasmus Medical Center
Classification: Uncertain significance. Review status: no assertion criteria provided. Collection method: clinical testing. Allele origin: germline. Affected: yes. Study: VKGL Data-share Consensus. Not counted in ClinVar's aggregate classification.

Laboratory of Diagnostic Genome Analysis, Leiden University Medical Center (LUMC)
Classification: Uncertain significance. Review status: no assertion criteria provided. Collection method: clinical testing. Allele origin: germline. Affected: yes. Study: VKGL Data-share Consensus. Not counted in ClinVar's aggregate classification.

Literature cited by the submitters: PubMed 32383162 (cited by 5 submitters).

NM_000059.4(BRCA2):c.8290G>A (p.Ala2764Thr)

Gene: BRCA2 (BRCA2 DNA repair associated; plus strand). Cytogenetic location: 13q13.1.
Variant type: single nucleotide variant.
Coding change: c.8290G>A on transcript NM_000059.4 (MANE Select); coding-DNA position 8290, G replaced by A.
Protein change: p.Ala2764Thr; replaces alanine 2764 with threonine.
Molecular consequence: missense variant.
Genome position (GRCh38, 1-based): chr13:32,363,492, G>A. VCF-style: chr13-32363492-G-A. GRCh37 (hg19) VCF-style: chr13-32937629-G-A.
Other names: short protein forms A2764T.
Identifiers: ClinVar variation 185461 (VCV000185461.26), dbSNP rs786202189, ClinGen allele CA025551.